The following is an entry in ClinVar:

ClinVar aggregate classification (germline): Uncertain significance (1 of 4 stars; one submission).

Submission:

Labcorp Genetics (formerly Invitae), Labcorp
Classification: Uncertain significance. Last evaluated: 2024-02-06. Review status: criteria provided, single submitter. Criteria: Invitae Variant Classification Sherloc (09022015). Collection method: clinical testing. Allele origin: germline.
Comment: This sequence change replaces glutamic acid, which is acidic and polar, with lysine, which is basic and polar, at codon 155 of the ZNF687 protein (p.Glu155Lys). This variant is not present in population databases (gnomAD no frequency). This variant has not been reported in the literature in individuals affected with ZNF687-related conditions. An algorithm developed to predict the effect of missense changes on protein structure and function (PolyPhen-2) suggests that this variant is likely to be tolerated. In summary, the available evidence is currently insufficient to determine the role of this variant in disease. Therefore, it has been classified as a Variant of Uncertain Significance.

NM_020832.3(ZNF687):c.463G>A (p.Glu155Lys)

Gene: ZNF687 (zinc finger protein 687; plus strand). Cytogenetic location: 1q21.3.
Variant type: single nucleotide variant.
Coding change: c.463G>A on transcript NM_020832.3 (MANE Select); coding-DNA position 463, G replaced by A.
Protein change: p.Glu155Lys; replaces glutamic acid 155 with lysine.
Molecular consequence: missense variant.
Genome position (GRCh38, 1-based): chr1:151,286,754, G>A. VCF-style: chr1-151286754-G-A. GRCh37 (hg19) VCF-style: chr1-151259230-G-A.
Other names: c.463G>A, p.Glu155Lys (NM_001304763.2, NM_001304764.2); short protein forms E155K.
Identifiers: ClinVar variation 3639351 (VCV003639351.2).